The following is an entry in ClinVar:

ClinVar aggregate classification (germline): Pathogenic/Likely pathogenic. Review status: criteria provided, multiple submitters, no conflicts (2 of 4 stars). 3 submissions from 3 submitters: Pathogenic (2); Likely pathogenic (1). Last evaluated 2023-12-15.

Conditions:
IRF6-related condition. Also called: IRF6-related disorder; IRF6-Related Disorders. Identifiers: MedGen CN378148, MONDO:1040010.
Popliteal pterygium syndrome (PPS). Identifiers: Orphanet 294963, MedGen C0265259, MONDO:0017435.
Van der Woude syndrome. Identifiers: Orphanet 888, MedGen C0175697, MONDO:0019508.
Orofacial cleft 6, susceptibility to (OFC6). Also called: CLEFT LIP WITH OR WITHOUT CLEFT PALATE, NONSYNDROMIC, 6. Identifiers: MedGen C1837213, MONDO:0012141, OMIM 608864.

Submissions (3):

Labcorp Genetics (formerly Invitae), Labcorp
Classification: Pathogenic for Orofacial cleft 6, susceptibility to; Van der Woude syndrome; Popliteal pterygium syndrome. Last evaluated: 2023-12-15. Review status: criteria provided, single submitter. Criteria: Invitae Variant Classification Sherloc (09022015). Collection method: clinical testing. Allele origin: germline.
Comment: This sequence change creates a premature translational stop signal (p.Gln152*) in the IRF6 gene. It is expected to result in an absent or disrupted protein product. Loss-of-function variants in IRF6 are known to be pathogenic (PMID: 19282774, 23949966). This variant is not present in population databases (gnomAD no frequency). This variant has not been reported in the literature in individuals affected with IRF6-related conditions. ClinVar contains an entry for this variant (Variation ID: 379807). For these reasons, this variant has been classified as Pathogenic.

PreventionGenetics, part of Exact Sciences
Classification: Likely pathogenic for IRF6-related condition. Last evaluated: 2023-01-17. Review status: criteria provided, single submitter. Criteria: ACMG Guidelines, 2015. Collection method: clinical testing. Allele origin: germline.
Comment: The IRF6 c.454C>T variant is predicted to result in premature protein termination (p.Gln152*). To our knowledge, this variant has not been reported in the literature or in a large population database, indicating this variant is rare. Nonsense variants in IRF6 are expected to be pathogenic. This variant is interpreted as likely pathogenic.

GeneDx
Classification: Pathogenic. Last evaluated: 2020-02-25. Review status: criteria provided, single submitter. Criteria: GeneDx Variant Classification Process June 2021. Collection method: clinical testing. Allele origin: germline. Affected: yes.
Comment: Nonsense variant predicted to result in protein truncation or nonsense mediated decay in a gene for which loss-of-function is a known mechanism of disease; Not observed in large population cohorts (Lek et al., 2016); Has not been previously published as pathogenic or benign to our knowledge

Literature cited by the submitters: PubMed 19282774 (cited by Labcorp Genetics (formerly Invitae), Labcorp); PubMed 23949966 (cited by Labcorp Genetics (formerly Invitae), Labcorp).

NM_006147.4(IRF6):c.454C>T (p.Gln152Ter)

Gene: IRF6 (interferon regulatory factor 6; minus strand). Cytogenetic location: 1q32.2.
Variant type: single nucleotide variant.
Coding change: c.454C>T on transcript NM_006147.4 (MANE Select); coding-DNA position 454, C replaced by T.
Protein change: p.Gln152Ter; replaces glutamine 152 with a stop codon.
Molecular consequence: nonsense.
Genome position (GRCh38, 1-based): chr1:209,795,344, G>A on the plus strand (C>T on the coding strand, the complement: IRF6 is on the minus strand). VCF-style: chr1-209795344-G-A. GRCh37 (hg19) VCF-style: chr1-209968689-G-A.
Other names: c.169C>T, p.Gln57Ter (NM_001206696.2); short protein forms Q152*, Q57*.
Identifiers: ClinVar variation 379807 (VCV000379807.10), dbSNP rs1057520738, ClinGen allele CA16603558.